The following is an entry in ClinVar:

NM_002715.4(PPP2CA):c.863A>C (p.Gln288Pro)

Gene: PPP2CA (protein phosphatase 2 catalytic subunit alpha; minus strand). Cytogenetic location: 5q31.1.
Variant type: single nucleotide variant.
Coding change: c.863A>C on transcript NM_002715.4 (MANE Select); coding-DNA position 863, A replaced by C.
Protein change: p.Gln288Pro; replaces glutamine 288 with proline.
Molecular consequence: missense variant. On other transcripts: non-coding transcript variant (1).
Genome position (GRCh38, 1-based): chr5:134,197,839, T>G on the plus strand (A>C on the coding strand, the complement: PPP2CA is on the minus strand). VCF-style: chr5-134197839-T-G. GRCh37 (hg19) VCF-style: chr5-133533530-T-G.
Other names: c.668A>C, p.Gln223Pro (NM_001355019.2); short protein forms Q223P, Q288P.
Identifiers: ClinVar variation 1491762 (VCV001491762.7), dbSNP rs2149382258, ClinGen allele CA360997661.

ClinVar aggregate classification (germline): Uncertain significance. Review status: criteria provided, multiple submitters, no conflicts (2 of 4 stars). 2 submissions from 2 submitters: Uncertain significance (2). Last evaluated 2025-10-26.

Submissions (2):

Labcorp Genetics (formerly Invitae), Labcorp
Classification: Uncertain significance. Last evaluated: 2025-10-26. Review status: criteria provided, single submitter. Criteria: Invitae Variant Classification Sherloc (09022015). Collection method: clinical testing. Allele origin: germline.
Comment: This sequence change replaces glutamine, which is neutral and polar, with proline, which is neutral and non-polar, at codon 288 of the PPP2CA protein (p.Gln288Pro). This variant is not present in population databases (gnomAD no frequency). This variant has not been reported in the literature in individuals affected with PPP2CA-related conditions. ClinVar contains an entry for this variant (Variation ID: 1491762). Invitae Evidence Modeling of protein sequence and biophysical properties (such as structural, functional, and spatial information, amino acid conservation, physicochemical variation, residue mobility, and thermodynamic stability) indicates that this missense variant is expected to disrupt PPP2CA protein function with a positive predictive value of 80%. In summary, the available evidence is currently insufficient to determine the role of this variant in disease. Therefore, it has been classified as a Variant of Uncertain Significance.

GeneDx
Classification: Uncertain significance. Last evaluated: 2022-04-13. Review status: criteria provided, single submitter. Criteria: GeneDx Variant Classification Process June 2021. Collection method: clinical testing. Allele origin: germline. Affected: yes.
Comment: Not observed at significant frequency in large population cohorts (gnomAD); In silico analysis supports that this missense variant has a deleterious effect on protein structure/function; Has not been previously published as pathogenic or benign to our knowledge